The following is an entry in ClinVar:

ClinVar aggregate classification (germline): Uncertain significance (1 of 4 stars; one submission).

Submission:

Labcorp Genetics (formerly Invitae), Labcorp
Classification: Uncertain significance. Last evaluated: 2022-04-09. Review status: criteria provided, single submitter. Criteria: Invitae Variant Classification Sherloc (09022015). Collection method: clinical testing. Allele origin: germline.
Comment: This sequence change replaces proline, which is neutral and non-polar, with serine, which is neutral and polar, at codon 65 of the COL11A2 protein (p.Pro65Ser). This variant is not present in population databases (gnomAD no frequency). This variant has not been reported in the literature in individuals affected with COL11A2-related conditions. Advanced modeling of protein sequence and biophysical properties (such as structural, functional, and spatial information, amino acid conservation, physicochemical variation, residue mobility, and thermodynamic stability) performed at Invitae indicates that this missense variant is not expected to disrupt COL11A2 protein function. In summary, the available evidence is currently insufficient to determine the role of this variant in disease. Therefore, it has been classified as a Variant of Uncertain Significance.

NM_080680.3(COL11A2):c.193C>T (p.Pro65Ser)

Gene: COL11A2 (collagen type XI alpha 2 chain; minus strand). Cytogenetic location: 6p21.32.
Variant type: single nucleotide variant.
Coding change: c.193C>T on transcript NM_080680.3 (MANE Select); coding-DNA position 193, C replaced by T.
Protein change: p.Pro65Ser; replaces proline 65 with serine.
Molecular consequence: missense variant.
Genome position (GRCh38, 1-based): chr6:33,189,359, G>A on the plus strand (C>T on the coding strand, the complement: COL11A2 is on the minus strand). VCF-style: chr6-33189359-G-A. GRCh37 (hg19) VCF-style: chr6-33157136-G-A.
Other names: c.193C>T, p.Pro65Ser (NM_001163771.2, NM_080679.3, NM_080681.3); short protein forms P65S.
Identifiers: ClinVar variation 2123824 (VCV002123824.4), dbSNP rs2535559145, ClinGen allele CA363613151.